The following is an entry in ClinVar:

ClinVar aggregate classification (germline): Benign/Likely benign. Review status: criteria provided, multiple submitters, no conflicts (2 of 4 stars). 4 submissions from 4 submitters: Benign (3); Likely benign (1). Last evaluated 2025-12-16.

Allele frequency attached by ClinVar (database versions not stated): gnomAD exomes 0.00099 and 0.00250; ExAC 0.00295; 1000 Genomes Project 0.00699; 1000 Genomes Project 30x 0.00734; ESP Exome Variant Server 0.00955; gnomAD 0.00996 and 0.01091; TOPMed 0.01195.
gnomAD v4.1: 3,040 of 1,612,840 alleles (0.19%); highest among the groups gnomAD compares: African/African-American, 3.6%; 56 homozygotes.

Submissions (4):

Labcorp Genetics (formerly Invitae), Labcorp
Classification: Benign. Last evaluated: 2025-12-16. Review status: criteria provided, single submitter. Criteria: Invitae Variant Classification Sherloc (09022015). Collection method: clinical testing. Allele origin: germline.

Blueprint Genetics
Classification: Likely benign. Last evaluated: 2024-10-08. Review status: criteria provided, single submitter. Criteria: ACMG Guidelines, 2015. Collection method: clinical testing. Allele origin: germline.

Mayo Clinic Laboratories, Mayo Clinic
Classification: Benign. Last evaluated: 2023-10-26. Review status: criteria provided, single submitter. Criteria: ACMG Guidelines, 2015. Collection method: clinical testing. Allele origin: germline. Observed: 2 variant alleles.
Comment: BA1, BS2, BP4, BP7

Breakthrough Genomics
Classification: Benign. Review status: criteria provided, single submitter. Criteria: ACMG Guidelines, 2015. Collection method: not provided. Allele origin: germline. Inheritance: Autosomal recessive inheritance. Affected: yes.

NM_005186.4(CAPN1):c.1914C>T (p.Tyr638=)

Genes: CAPN1 (calpain 1; plus strand), LOC126861236 (P300/CBP strongly-dependent group 1 enhancer GRCh37_chr11:64976880-64978079; plus strand). Cytogenetic location: 11q13.1.
Variant type: single nucleotide variant.
Coding change: c.1914C>T on transcript NM_005186.4 (MANE Select); coding-DNA position 1914, C replaced by T.
Protein change: p.Tyr638=; no amino-acid change (tyrosine 638 retained).
Molecular consequence: synonymous variant. On other transcripts: non-coding transcript variant (1).
Genome position (GRCh38, 1-based): chr11:65,210,068, C>T. VCF-style: chr11-65210068-C-T. GRCh37 (hg19) VCF-style: chr11-64977539-C-T.
Other names: p.Tyr638=; c.1914C>T, p.Tyr638= (NM_001198868.2, NM_001198869.2).
Identifiers: ClinVar variation 781004 (VCV000781004.13), dbSNP rs17887152, ClinGen allele CA6093605.